The following is an entry in ClinVar:

NM_020631.6(PLEKHG5):c.2149G>T (p.Glu717Ter)

Gene: PLEKHG5 (pleckstrin homology and RhoGEF domain containing G5; minus strand). Cytogenetic location: 1p36.31.
Variant type: single nucleotide variant.
Coding change: c.2149G>T on transcript NM_020631.6 (MANE Select); coding-DNA position 2149, G replaced by T.
Protein change: p.Glu717Ter; replaces glutamic acid 717 with a stop codon.
Molecular consequence: nonsense.
Genome position (GRCh38, 1-based): chr1:6,469,142, C>A on the plus strand (G>T on the coding strand, the complement: PLEKHG5 is on the minus strand). VCF-style: chr1-6469142-C-A. GRCh37 (hg19) VCF-style: chr1-6529202-C-A.
Other names: c.2260G>T, p.Glu754Ter (NM_001042663.3, NM_001265592.2); c.2149G>T, p.Glu717Ter (NM_001042664.2, NM_001042665.2, NM_001265594.3 and 1 more transcripts); c.2356G>T, p.Glu786Ter (NM_001265593.2); c.2149G>T (NM_020631.4); short protein forms E717*, E754*, E786*.
Identifiers: ClinVar variation 1073676 (VCV001073676.11), dbSNP rs184242303, ClinGen allele CA338118522.

ClinVar aggregate classification (germline): Pathogenic/Likely pathogenic. Review status: criteria provided, multiple submitters, no conflicts (2 of 4 stars). 3 submissions from 3 submitters: Pathogenic (1); Likely pathogenic (2). Last evaluated 2025-09-16.

Conditions:
Charcot-Marie-Tooth disease recessive intermediate C. Also called: CHARCOT-MARIE-TOOTH NEUROPATHY, RECESSIVE INTERMEDIATE C. Identifiers: Orphanet 369867, MedGen C3809309, MONDO:0014154, OMIM 615376.
Neuronopathy, distal hereditary motor, autosomal recessive 4. Also called: Autosomal recessive lower motor neuron disease with childhood onset; NEUROPATHY, DISTAL HEREDITARY MOTOR, AUTOSOMAL RECESSIVE 4. Identifiers: Orphanet 206580, MedGen C1970211, MONDO:0012608, OMIM 611067.
PLEKHG5-related disorder. Also called: PLEKHG5-related condition.

gnomAD v4.1: 4 of 1,612,396 alleles (0.00025%); highest among the groups gnomAD compares: Non-Finnish European, 0.00034%; no homozygotes.

Submissions (3):

PreventionGenetics, part of Exact Sciences
Classification: Likely pathogenic for PLEKHG5-related condition. Last evaluated: 2025-09-16. Review status: criteria provided, single submitter. Criteria: ACMG Guidelines, 2015. Collection method: clinical testing. Allele origin: germline.
Comment: The PLEKHG5 c.2149G>T variant is predicted to result in premature protein termination (p.Glu717*). To our knowledge, this variant has not been reported in the literature. This variant is reported in 0.0065% of alleles in individuals of European (non-Finnish) descent in gnomAD. Nonsense variants in PLEKHG5 are expected to be pathogenic. This variant is interpreted as likely pathogenic.

Fulgent Genetics
Classification: Likely pathogenic for Neuronopathy, distal hereditary motor, autosomal recessive 4; Charcot-Marie-Tooth disease recessive intermediate C. Last evaluated: 2024-04-30. Review status: criteria provided, single submitter. Criteria: ACMG Guidelines, 2015. Collection method: clinical testing. Allele origin: germline.

Labcorp Genetics (formerly Invitae), Labcorp
Classification: Pathogenic for Neuronopathy, distal hereditary motor, autosomal recessive 4; Charcot-Marie-Tooth disease recessive intermediate C. Last evaluated: 2023-12-18. Review status: criteria provided, single submitter. Criteria: Invitae Variant Classification Sherloc (09022015). Collection method: clinical testing. Allele origin: germline.
Comment: This sequence change creates a premature translational stop signal (p.Glu717*) in the PLEKHG5 gene. It is expected to result in an absent or disrupted protein product. Loss-of-function variants in PLEKHG5 are known to be pathogenic (PMID: 17564964, 23777631). The frequency data for this variant in the population databases is considered unreliable, as metrics indicate poor data quality at this position in the gnomAD database. This variant has not been reported in the literature in individuals affected with PLEKHG5-related conditions. ClinVar contains an entry for this variant (Variation ID: 1073676). For these reasons, this variant has been classified as Pathogenic.

Literature cited by the submitters: PubMed 17564964 (cited by Labcorp Genetics (formerly Invitae), Labcorp); PubMed 23777631 (cited by Labcorp Genetics (formerly Invitae), Labcorp).